The following is an entry in ClinVar:

NM_001267550.2(TTN):c.89306_89307del (p.Tyr29769fs)

Genes: TTN-AS1 (TTN antisense RNA 1; plus strand), TTN (titin; minus strand). Cytogenetic location: 2q31.2.
Variant type: Deletion.
Coding change: c.89306_89307del on transcript NM_001267550.2 (MANE Select); coding-DNA positions 89306 to 89307, 2 bases deleted (AT; older notation c.89306_89307delAT).
Protein change: p.Tyr29769fs; shifts the reading frame from tyrosine 29769.
Molecular consequence: frameshift variant.
Genome position (GRCh38, 1-based): chr2:178,553,698-178,553,699, AT deleted on the plus strand (AT on the coding strand, the reverse complement: TTN is on the minus strand); deleting any 2 consecutive bases within chr2:178,553,698-178,553,700 gives the same sequence; the c. name uses the placement nearest the transcript's 3' end. VCF-style (leftmost placement, unchanged base first): chr2-178553697-CAT-C. GRCh37 (hg19) VCF-style: chr2-179418424-CAT-C.
Other names: c.84383_84384del, p.Tyr28128fs (NM_001256850.1); c.62111_62112del, p.Tyr20704fs (NM_003319.4); c.81602_81603del, p.Tyr27201fs (NM_133378.4); c.62486_62487del, p.Tyr20829fs (NM_133432.3); c.62687_62688del, p.Tyr20896fs (NM_133437.4); short protein forms Y28128fs, Y29769fs, Y20704fs, Y20829fs, Y20896fs, Y27201fs.
Identifiers: ClinVar variation 2922107 (VCV002922107.3), dbSNP rs2469337161, ClinGen allele CA2740095999.

ClinVar aggregate classification (germline): Likely pathogenic (1 of 4 stars; one submission).

Conditions:
Dilated cardiomyopathy 1G (CMD1G). Identifiers: Orphanet 154, MedGen C1858763, MONDO:0011400, OMIM 604145.
Autosomal recessive limb-girdle muscular dystrophy type 2J (LGMDR10). Also called: Limb-girdle muscular dystrophy, type 2J; MUSCULAR DYSTROPHY, LIMB-GIRDLE, AUTOSOMAL RECESSIVE 10. Identifiers: Orphanet 140922, MedGen C1837342, MONDO:0012127, OMIM 608807.

Submission:

Labcorp Genetics (formerly Invitae), Labcorp
Classification: Likely pathogenic for Dilated cardiomyopathy 1G; Autosomal recessive limb-girdle muscular dystrophy type 2J. Last evaluated: 2024-03-25. Review status: criteria provided, single submitter. Criteria: Invitae Variant Classification Sherloc (09022015). Collection method: clinical testing. Allele origin: germline.
Comment: This sequence change creates a premature translational stop signal (p.Tyr29769Cysfs*57) in the TTN gene. While this is not anticipated to result in nonsense mediated decay, it is expected to create a truncated TTN protein. This variant is not present in population databases (gnomAD no frequency). This variant has not been reported in the literature in individuals affected with TTN-related conditions. This variant is located in the A band of TTN (PMID: 25589632). Truncating variants in this region are significantly overrepresented in patients affected with dilated cardiomyopathy (PMID: 25589632). Truncating variants in this region have also been reported in individuals affected with autosomal recessive centronuclear myopathy (PMID: 23975875). In summary, the currently available evidence indicates that the variant is pathogenic, but additional data are needed to prove that conclusively. Therefore, this variant has been classified as Likely Pathogenic.

Literature cited by the submitters: PubMed 25589632; PubMed 23975875.